The following is an entry in ClinVar:

ClinVar aggregate classification (germline): Uncertain significance (1 of 4 stars; one submission).

Submission:

Labcorp Genetics (formerly Invitae), Labcorp
Classification: Uncertain significance. Last evaluated: 2022-03-10. Review status: criteria provided, single submitter. Criteria: Invitae Variant Classification Sherloc (09022015). Collection method: clinical testing. Allele origin: germline.
Comment: This variant, c.11617_11619del, results in the deletion of 1 amino acid(s) of the USH2A protein (p.Pro3873del), but otherwise preserves the integrity of the reading frame. This variant is present in population databases (rs747695930, gnomAD 0.0009%). This variant has been observed in individual(s) with USH2A-related conditions (Invitae). Experimental studies and prediction algorithms are not available or were not evaluated, and the functional significance of this variant is currently unknown. In summary, the available evidence is currently insufficient to determine the role of this variant in disease. Therefore, it has been classified as a Variant of Uncertain Significance.

NM_206933.4(USH2A):c.11617_11619del (p.Pro3873del)

Gene: USH2A (usherin; minus strand). Cytogenetic location: 1q41.
Variant type: Deletion.
Coding change: c.11617_11619del on transcript NM_206933.4 (MANE Select); coding-DNA positions 11617 to 11619, 3 bases deleted (CCT; older notation c.11617_11619delCCT).
Protein change: p.Pro3873del; deletes proline 3873.
Molecular consequence: inframe deletion.
Genome position (GRCh38, 1-based): chr1:215,741,467-215,741,469, AGG deleted on the plus strand (CCT on the coding strand, the reverse complement: USH2A is on the minus strand); deleting any 3 consecutive bases within chr1:215,741,467-215,741,471 gives the same sequence; the c. name uses the placement nearest the transcript's 3' end. VCF-style (leftmost placement, unchanged base first): chr1-215741466-CAGG-C. GRCh37 (hg19) VCF-style: chr1-215914808-CAGG-C.
Other names: short protein forms P3873del.
Identifiers: ClinVar variation 1398616 (VCV001398616.5), dbSNP rs747695930, ClinGen allele CA1393661.